The following is an entry in ClinVar:

ClinVar aggregate classification (germline): Conflicting classifications of pathogenicity. Review status: criteria provided, conflicting classifications (1 of 4 stars). 3 submissions from 3 submitters: Likely pathogenic (1); Uncertain significance (2). Last evaluated 2025-01-04.

Conditions:
Familial thoracic aortic aneurysm and aortic dissection (TAAD). Also called: Thoracic aortic aneurysms and dissections. Identifiers: Orphanet 91387, MedGen C4707243, MONDO:0019625.

Submissions (3):

Women's Health and Genetics/Laboratory Corporation of America, LabCorp
Classification: Uncertain significance. Last evaluated: 2025-01-04. Review status: criteria provided, single submitter. Criteria: LabCorp Variant Classification Summary - May 2015. Collection method: clinical testing. Allele origin: germline.

Labcorp Genetics (formerly Invitae), Labcorp
Classification: Likely pathogenic for Familial thoracic aortic aneurysm and aortic dissection. Last evaluated: 2024-06-22. Review status: criteria provided, single submitter. Criteria: Invitae Variant Classification Sherloc (09022015). Collection method: clinical testing. Allele origin: germline.
Comment: This sequence change replaces histidine, which is basic and polar, with aspartic acid, which is acidic and polar, at codon 377 of the TGFBR2 protein (p.His377Asp). This variant is not present in population databases (gnomAD no frequency). This missense change has been observed in individual(s) with clinical features of thoracic aortic aneurysm and dissection (Invitae). ClinVar contains an entry for this variant (Variation ID: 2499410). Advanced modeling of protein sequence and biophysical properties (such as structural, functional, and spatial information, amino acid conservation, physicochemical variation, residue mobility, and thermodynamic stability) performed at Invitae indicates that this missense variant is expected to disrupt TGFBR2 protein function with a positive predictive value of 95%. This variant disrupts the p.His377 amino acid residue in TGFBR2. Other variant(s) that disrupt this residue have been determined to be pathogenic (PMID: 22113417, 27879313; Invitae). This suggests that this residue is clinically significant, and that variants that disrupt this residue are likely to be disease-causing. In summary, the currently available evidence indicates that the variant is pathogenic, but additional data are needed to prove that conclusively. Therefore, this variant has been classified as Likely Pathogenic.

GeneDx
Classification: Uncertain significance. Last evaluated: 2022-10-13. Review status: criteria provided, single submitter. Criteria: GeneDx Variant Classification Process June 2021. Collection method: clinical testing. Allele origin: germline. Affected: yes.
Comment: Not observed at significant frequency in large population cohorts (gnomAD); In silico analysis supports that this missense variant has a deleterious effect on protein structure/function; Has not been previously published as pathogenic or benign to our knowledge

Literature cited by the submitters: PubMed 22113417 (cited by Labcorp Genetics (formerly Invitae), Labcorp); PubMed 27879313 (cited by Labcorp Genetics (formerly Invitae), Labcorp).

NM_003242.6(TGFBR2):c.1129C>G (p.His377Asp)

Gene: TGFBR2 (transforming growth factor beta receptor 2; plus strand). Cytogenetic location: 3p24.1.
Variant type: single nucleotide variant.
Coding change: c.1129C>G on transcript NM_003242.6 (MANE Select); coding-DNA position 1129, C replaced by G.
Protein change: p.His377Asp; replaces histidine 377 with aspartic acid.
Molecular consequence: missense variant. On other transcripts: intron variant (1).
Genome position (GRCh38, 1-based): chr3:30,672,312, C>G. VCF-style: chr3-30672312-C-G. GRCh37 (hg19) VCF-style: chr3-30713804-C-G.
Other names: c.1204C>G, p.His402Asp (NM_001024847.3); c.1312C>G, p.His438Asp (NM_001407126.1); c.1237C>G, p.His413Asp (NM_001407127.1); c.1156C>G, p.His386Asp (NM_001407128.1); c.1132C>G, p.His378Asp (NM_001407129.1); c.1129C>G, p.His377Asp (NM_001407130.1); c.1024C>G, p.His342Asp (NM_001407132.1, NM_001407133.1, NM_001407134.1 and 2 more transcripts); c.844C>G, p.His282Asp (NM_001407137.1); and 2 more; short protein forms H257D, H282D, H342D, H377D, H378D, H386D, H402D, H413D.
Identifiers: ClinVar variation 2499410 (VCV002499410.5), dbSNP rs2125436421, ClinGen allele CA351808596.